The following is an entry in ClinVar:

ClinVar aggregate classification (germline): Conflicting classifications of pathogenicity. Review status: criteria provided, conflicting classifications (1 of 4 stars). 5 submissions from 5 submitters: Uncertain significance (2); Likely benign (2). 1 of the submissions does not count toward it. Last evaluated 2026-01-06.

Conditions:
Fraser syndrome 1 (FRASRS1). Also called: CRYPTOPHTHALMOS WITH OTHER MALFORMATIONS. Identifiers: Orphanet 2052, MedGen C4551480, MONDO:0054737, OMIM 219000.
FRAS1-related disorder. Also called: FRAS1-related condition.

Allele frequency attached by ClinVar (database versions not stated): gnomAD exomes 0.00005 and 0.00012; ExAC 0.00015; gnomAD 0.00056 and 0.00063; ESP Exome Variant Server 0.00063; TOPMed 0.00071; 1000 Genomes Project 30x 0.00094; 1000 Genomes Project 0.00100.
gnomAD v4.1: 173 of 1,613,728 alleles (0.011%); highest among the groups gnomAD compares: African/African-American, 0.2%; 1 homozygote.

Submissions (5):

Labcorp Genetics (formerly Invitae), Labcorp
Classification: Likely benign. Last evaluated: 2026-01-06. Review status: criteria provided, single submitter. Criteria: Invitae Variant Classification Sherloc (09022015). Collection method: clinical testing. Allele origin: germline.

Blueprint Genetics
Classification: Likely benign. Last evaluated: 2024-07-18. Review status: criteria provided, single submitter. Criteria: ACMG Guidelines, 2015. Collection method: clinical testing. Allele origin: germline.

Illumina Laboratory Services, Illumina
Classification: Uncertain significance for Fraser syndrome 1. Last evaluated: 2018-01-13. Review status: criteria provided, single submitter. Criteria: ICSL Variant Classification Criteria 13 December 2019. Collection method: clinical testing. Allele origin: germline.

Eurofins Ntd Llc (ga)
Classification: Uncertain significance. Last evaluated: 2016-03-30. Review status: criteria provided, single submitter. Criteria: EGL Classification Definitions 2015. Collection method: clinical testing. Allele origin: germline. Observed: 1 variant allele, 1 heterozygote.

PreventionGenetics, part of Exact Sciences
Classification: Likely benign for FRAS1-related condition. Last evaluated: 2019-08-13. Review status: no assertion criteria provided. Collection method: clinical testing. Allele origin: germline. Not counted in ClinVar's aggregate classification.
Comment: This variant is classified as likely benign based on ACMG/AMP sequence variant interpretation guidelines (Richards et al. 2015 PMID: 25741868, with internal and published modifications).

NM_025074.7(FRAS1):c.969G>A (p.Val323=)

Gene: FRAS1 (Fraser extracellular matrix complex subunit 1; plus strand). Cytogenetic location: 4q21.21.
Variant type: single nucleotide variant.
Coding change: c.969G>A on transcript NM_025074.7 (MANE Select); coding-DNA position 969, G replaced by A.
Protein change: p.Val323=; no amino-acid change (valine 323 retained).
Molecular consequence: synonymous variant.
Genome position (GRCh38, 1-based): chr4:78,267,420, G>A. VCF-style: chr4-78267420-G-A. GRCh37 (hg19) VCF-style: chr4-79188574-G-A.
Other names: c.969G>A, p.Val323= (NM_001166133.2).
Identifiers: ClinVar variation 286736 (VCV000286736.20), dbSNP rs377333036, ClinGen allele CA2976122.